The following is an entry in ClinVar:

ClinVar aggregate classification (germline): Likely benign. Review status: criteria provided, multiple submitters, no conflicts (2 of 4 stars). 3 submissions from 3 submitters: Likely benign (2). 1 of the submissions does not count toward it. Last evaluated 2026-04-21.

Conditions:
Inborn genetic diseases. Identifiers: MedGen C0950123, MeSH D030342.
PKD1-related disorder. Also called: PKD1-related condition.

Allele frequency attached by ClinVar (database versions not stated): gnomAD 0.00006; gnomAD exomes 0.00006; TOPMed 0.00007; 1000 Genomes Project 30x 0.00016; 1000 Genomes Project 0.00020; ExAC 0.00029.
gnomAD v4.1: 88 of 1,589,982 alleles (0.0055%); highest among the groups gnomAD compares: East Asian, 0.2%; no homozygotes.

Submissions (3):

Women's Health and Genetics/Laboratory Corporation of America, LabCorp
Classification: Likely benign. Last evaluated: 2026-04-21. Review status: criteria provided, single submitter. Criteria: LabCorp Variant Classification Summary - May 2015. Collection method: clinical testing. Allele origin: germline.
Comment: Variant summary: PKD1 c.5483A>G (p.Gln1828Arg) results in a conservative amino acid change in the encoded protein sequence. Algorithms developed to predict the effect of missense changes on protein structure and function all suggest that this variant is likely to be tolerated. The variant allele was found at a frequency of 0.00026 in 186318 control chromosomes, predominantly at a frequency of 0.0035 within the East Asian subpopulation in the gnomAD database. The observed variant frequency within East Asian control individuals in the gnomAD database exceeds the estimated maximal expected allele frequency for disease-causing variants in PKD1. Although reported among healthy Japanese volunteers in the literature, (example Kinoshita_2016), to our knowledge, no occurrence of c.5483A>G in individuals affected with PKD1-related conditions and no experimental evidence demonstrating its impact on protein function have been reported. ClinVar contains an entry for this variant (Variation ID: 3052607). The following publication have been ascertained in the context of this evaluation (PMID: 27835667). Based on the evidence outlined above, the variant was classified as likely benign.

Ambry Genetics
Classification: Likely benign for Inborn genetic diseases. Last evaluated: 2025-02-27. Review status: criteria provided, single submitter. Criteria: Ambry Variant Classification Scheme 2023. Collection method: clinical testing. Allele origin: germline.

PreventionGenetics, part of Exact Sciences
Classification: Likely benign for PKD1-related condition. Last evaluated: 2024-02-08. Review status: no assertion criteria provided. Collection method: clinical testing. Allele origin: germline. Not counted in ClinVar's aggregate classification.
Comment: This variant is classified as likely benign based on ACMG/AMP sequence variant interpretation guidelines (Richards et al. 2015 PMID: 25741868, with internal and published modifications).

Literature cited by the submitters: PubMed 27835667 (cited by Women's Health and Genetics/Laboratory Corporation of America, LabCorp).

NM_001009944.3(PKD1):c.5483A>G (p.Gln1828Arg)

Gene: PKD1 (polycystin 1, transient receptor potential channel interacting; minus strand). Cytogenetic location: 16p13.3.
Variant type: single nucleotide variant.
Coding change: c.5483A>G on transcript NM_001009944.3 (MANE Select); coding-DNA position 5483, A replaced by G.
Protein change: p.Gln1828Arg; replaces glutamine 1828 with arginine.
Molecular consequence: missense variant.
Genome position (GRCh38, 1-based): chr16:2,109,684, T>C on the plus strand (A>G on the coding strand, the complement: PKD1 is on the minus strand). VCF-style: chr16-2109684-T-C. GRCh37 (hg19) VCF-style: chr16-2159685-T-C.
Other names: c.5483A>G (NM_000296.3); c.5483A>G, p.Gln1828Arg (NM_000296.4); short protein forms Q1828R.
Identifiers: ClinVar variation 3052607 (VCV003052607.4), dbSNP rs563854855, ClinGen allele CA7831963.